The following is an entry in ClinVar:

NM_004006.3(DMD):c.1734A>T (p.Lys578Asn)

Gene: DMD (dystrophin; minus strand). Cytogenetic location: Xp21.1.
Variant type: single nucleotide variant.
Coding change: c.1734A>T on transcript NM_004006.3 (MANE Select); coding-DNA position 1734, A replaced by T.
Protein change: p.Lys578Asn; replaces lysine 578 with asparagine.
Molecular consequence: missense variant.
Genome position (GRCh38, 1-based): chrX:32,573,608, T>A on the plus strand (A>T on the coding strand, the complement: DMD is on the minus strand). VCF-style: chrX-32573608-T-A. GRCh37 (hg19) VCF-style: chrX-32591725-T-A.
Other names: c.1710A>T, p.Lys570Asn (NM_000109.4); c.1722A>T, p.Lys574Asn (NM_004009.3); c.1365A>T, p.Lys455Asn (NM_004010.3); short protein forms K574N, K455N, K570N, K578N.
Identifiers: ClinVar variation 682363 (VCV000682363.12), dbSNP rs754347572, ClinGen allele CA10379744.
Genomic context (GRCh38, chrX:32,573,608, plus strand): 5'-TGATAACATTTCATTTTGATCTTTAAAGCCAGTTGTGTGAATCTTGTTCACTGCATCTTC[T>A]TTTTCTGAAAGCCATGCACTAAAAAGGCACTGCAAGACATTAAAGAATTCCAAGGAATAA-3'
Protein context (NP_003997.2, residues 568-588): QCLFSAWLSE[Lys578Asn]EDAVNKIHTT

ClinVar aggregate classification (germline): Conflicting classifications of pathogenicity. Review status: criteria provided, conflicting classifications (1 of 4 stars). 3 submissions from 3 submitters: Uncertain significance (1); Likely benign (2). Last evaluated 2025-12-21.

Conditions:
Cardiovascular phenotype. Identifiers: MedGen CN230736.
Duchenne muscular dystrophy (DMD). Also called: MUSCULAR DYSTROPHY, PSEUDOHYPERTROPHIC PROGRESSIVE, DUCHENNE TYPE; Duchenne Muscular Dystrophy (DMD). Identifiers: Orphanet 98896, MedGen C0013264, MONDO:0010679, OMIM 310200.

Allele frequency attached by ClinVar (database versions not stated): gnomAD exomes below 0.00001 and 0.00001; ExAC 0.00001.
gnomAD v4.1: 3 of 1,211,328 alleles (0.00025%); highest among the groups gnomAD compares: Non-Finnish European, 0.00034%; no homozygotes.

Submissions (3):

Labcorp Genetics (formerly Invitae), Labcorp
Classification: Likely benign for Duchenne muscular dystrophy. Last evaluated: 2025-12-21. Review status: criteria provided, single submitter. Criteria: Invitae Variant Classification Sherloc (09022015). Collection method: clinical testing. Allele origin: germline.

Ambry Genetics
Classification: Uncertain significance for Cardiovascular phenotype. Last evaluated: 2020-11-19. Review status: criteria provided, single submitter. Criteria: Ambry Variant Classification Scheme 2023. Collection method: clinical testing. Allele origin: germline.
Comment: The p.K578N variant (also known as c.1734A>T), located in coding exon 15 of the DMD gene, results from an A to T substitution at nucleotide position 1734. The lysine at codon 578 is replaced by asparagine, an amino acid with similar properties. Based on data from gnomAD, the T allele has an overall frequency of 0.001% (1/183232) total alleles studied, with 1 hemizygote observed. The highest observed frequency was 0.001% (1/81753) of non-Finnish European alleles. This amino acid position is highly conserved in available vertebrate species. In addition, this alteration is predicted to be tolerated by in silico analysis. Since supporting evidence is limited at this time, the clinical significance of this alteration remains unclear.

GeneDx
Classification: Likely benign. Last evaluated: 2018-05-04. Review status: criteria provided, single submitter. Criteria: GeneDx Variant Classification (06012015). Collection method: clinical testing. Allele origin: germline. Affected: yes.
Comment: This variant is considered likely benign or benign based on one or more of the following criteria: it is a conservative change, it occurs at a poorly conserved position in the protein, it is predicted to be benign by multiple in silico algorithms, and/or has population frequency not consistent with disease.